The following is an entry in ClinVar:

ClinVar aggregate classification (germline): Likely benign. Review status: criteria provided, multiple submitters, no conflicts (2 of 4 stars). 3 submissions from 3 submitters: Likely benign (3). Last evaluated 2025-06-08.

Conditions:
Hereditary cancer-predisposing syndrome. Also called: Hereditary Cancer Syndrome; Tumor predisposition; Hereditary neoplastic syndrome; Neoplastic Syndromes, Hereditary. Identifiers: Orphanet 140162, MedGen C0027672, MeSH D009386, MONDO:0015356.
Tuberous sclerosis 2 (TSC2). Identifiers: Orphanet 805, MedGen C1860707, MONDO:0013199, OMIM 613254.

Submissions (3):

Ambry Genetics
Classification: Likely benign for Hereditary cancer-predisposing syndrome. Last evaluated: 2025-06-08. Review status: criteria provided, single submitter. Criteria: Ambry Variant Classification Scheme 2023. Collection method: clinical testing. Allele origin: germline.

CeGaT Center for Human Genetics Tuebingen
Classification: Likely benign. Last evaluated: 2025-02-01. Review status: criteria provided, single submitter. Criteria: CeGaT Center For Human Genetics Tuebingen Variant Classification Criteria Version 2. Collection method: clinical testing. Allele origin: germline. Affected: yes. Observed: 1 variant allele.
Comment: TSC2: PM2:Supporting, BP4, BP7

Labcorp Genetics (formerly Invitae), Labcorp
Classification: Likely benign for Tuberous sclerosis 2. Last evaluated: 2024-10-10. Review status: criteria provided, single submitter. Criteria: Invitae Variant Classification Sherloc (09022015). Collection method: clinical testing. Allele origin: germline.

NM_000548.5(TSC2):c.1782T>C (p.Ile594=)

Gene: TSC2 (TSC complex subunit 2; plus strand). Cytogenetic location: 16p13.3.
Variant type: single nucleotide variant.
Coding change: c.1782T>C on transcript NM_000548.5 (MANE Select); coding-DNA position 1782, T replaced by C.
Protein change: p.Ile594=; no amino-acid change (isoleucine 594 retained).
Molecular consequence: synonymous variant.
Genome position (GRCh38, 1-based): chr16:2,070,521, T>C. VCF-style: chr16-2070521-T-C. GRCh37 (hg19) VCF-style: chr16-2120522-T-C.
Other names: c.1782T>C, p.Ile594= (NM_001077183.3, NM_001114382.3, NM_001363528.2 and 3 more transcripts); c.1671T>C, p.Ile557= (NM_001318827.2); c.1635T>C, p.Ile545= (NM_001318829.2); c.1182T>C, p.Ile394= (NM_001318831.2); c.1815T>C, p.Ile605= (NM_001318832.2).
Identifiers: ClinVar variation 763220 (VCV000763220.21), dbSNP rs1596336548, ClinGen allele CA492949781.